The following is an entry in ClinVar:

NM_001363711.2(DUOX2):c.2177G>A (p.Arg726Gln)

Gene: DUOX2 (dual oxidase 2; minus strand). Cytogenetic location: 15q21.1.
Variant type: single nucleotide variant.
Coding change: c.2177G>A on transcript NM_001363711.2 (MANE Select); coding-DNA position 2177, G replaced by A.
Protein change: p.Arg726Gln; replaces arginine 726 with glutamine.
Molecular consequence: missense variant.
Genome position (GRCh38, 1-based): chr15:45,105,800, C>T on the plus strand (G>A on the coding strand, the complement: DUOX2 is on the minus strand). VCF-style: chr15-45105800-C-T. GRCh37 (hg19) VCF-style: chr15-45397998-C-T.
Other names: c.2177G>A, p.Arg726Gln (NM_014080.5); short protein forms R726Q.
Identifiers: ClinVar variation 3001104 (VCV003001104.3), dbSNP rs370575305, ClinGen allele CA7538337.

ClinVar aggregate classification (germline): Uncertain significance (1 of 4 stars; one submission).

Allele frequency attached by ClinVar (database versions not stated): TOPMed 0.00002; ESP Exome Variant Server 0.00008.
gnomAD v4.1: 20 of 1,614,060 alleles (0.0012%); highest among the groups gnomAD compares: African/African-American, 0.011%; no homozygotes.

Submission:

Labcorp Genetics (formerly Invitae), Labcorp
Classification: Uncertain significance. Last evaluated: 2024-10-23. Review status: criteria provided, single submitter. Criteria: Invitae Variant Classification Sherloc (09022015). Collection method: clinical testing. Allele origin: germline.
Comment: This sequence change replaces arginine, which is basic and polar, with glutamine, which is neutral and polar, at codon 726 of the DUOX2 protein (p.Arg726Gln). This variant is present in population databases (rs370575305, gnomAD 0.02%). This missense change has been observed in individual(s) with ongenital hypothyroidism (PMID: 34564849). Invitae Evidence Modeling of protein sequence and biophysical properties (such as structural, functional, and spatial information, amino acid conservation, physicochemical variation, residue mobility, and thermodynamic stability) indicates that this missense variant is not expected to disrupt DUOX2 protein function with a negative predictive value of 80%. Experimental studies have shown that this missense change affects DUOX2 function (PMID: 34564849). In summary, the available evidence is currently insufficient to determine the role of this variant in disease. Therefore, it has been classified as a Variant of Uncertain Significance.

Literature cited by the submitters: PubMed 34564849.